The following is an entry in ClinVar:

NM_001128840.3(CACNA1D):c.614T>G (p.Val205Gly)

Gene: CACNA1D (calcium voltage-gated channel subunit alpha1 D; plus strand). Cytogenetic location: 3p21.1.
Variant type: single nucleotide variant.
Coding change: c.614T>G on transcript NM_001128840.3 (MANE Select); coding-DNA position 614, T replaced by G.
Protein change: p.Val205Gly; replaces valine 205 with glycine.
Molecular consequence: missense variant.
Genome position (GRCh38, 1-based): chr3:53,650,909, T>G. VCF-style: chr3-53650909-T-G. GRCh37 (hg19) VCF-style: chr3-53684936-T-G.
Other names: c.614T>G, p.Val205Gly (NM_000720.4, NM_001128839.3); short protein forms V205G.
Identifiers: ClinVar variation 3393703 (VCV003393703.1).
Genomic context (GRCh38, chr3:53,650,909, plus strand): 5'-TATTGCTACATCCTAATGCTTATGTTAGGAATGGATGGAATTTACTGGATTTTGTTATAG[T>G]AATAGTAGGGTAAGTCTCTTTTACTTTGGGGAAATGTTGATTTGGAAAATGGGAGGTGGA-3'
Protein context (NP_001122312.1, residues 195-215): NGWNLLDFVI[Val205Gly]IVGLFSVILE

ClinVar aggregate classification (germline): Uncertain significance (1 of 4 stars; one submission).

Submission:

GeneDx
Classification: Uncertain significance. Last evaluated: 2024-07-01. Review status: criteria provided, single submitter. Criteria: GeneDx Variant Classification Process June 2021. Collection method: clinical testing. Allele origin: germline. Affected: yes.
Comment: Not observed at significant frequency in large population cohorts (gnomAD); In silico analysis supports that this missense variant has a deleterious effect on protein structure/function; Has not been previously published as pathogenic or benign to our knowledge